The following is an entry in ClinVar:

ClinVar aggregate classification (germline): Uncertain significance (1 of 4 stars; one submission).

Submission:

Labcorp Genetics (formerly Invitae), Labcorp
Classification: Uncertain significance. Last evaluated: 2024-07-01. Review status: criteria provided, single submitter. Criteria: Invitae Variant Classification Sherloc (09022015). Collection method: clinical testing. Allele origin: germline.
Comment: This sequence change replaces cysteine, which is neutral and slightly polar, with phenylalanine, which is neutral and non-polar, at codon 83 of the CRIPT protein (p.Cys83Phe). This variant is not present in population databases (gnomAD no frequency). This variant has not been reported in the literature in individuals affected with CRIPT-related conditions. ClinVar contains an entry for this variant (Variation ID: 2098942). An algorithm developed to predict the effect of missense changes on protein structure and function (PolyPhen-2) suggests that this variant is likely to be disruptive. In summary, the available evidence is currently insufficient to determine the role of this variant in disease. Therefore, it has been classified as a Variant of Uncertain Significance.

NM_014171.6(CRIPT):c.248G>T (p.Cys83Phe)

Gene: CRIPT (CXXC repeat containing interactor of PDZ3 domain; plus strand). Cytogenetic location: 2p21.
Variant type: single nucleotide variant.
Coding change: c.248G>T on transcript NM_014171.6 (MANE Select); coding-DNA position 248, G replaced by T.
Protein change: p.Cys83Phe; replaces cysteine 83 with phenylalanine.
Molecular consequence: missense variant.
Genome position (GRCh38, 1-based): chr2:46,624,169, G>T. VCF-style: chr2-46624169-G-T. GRCh37 (hg19) VCF-style: chr2-46851308-G-T.
Other names: short protein forms C83F.
Identifiers: ClinVar variation 2098942 (VCV002098942.4), dbSNP rs2466595903, ClinGen allele CA346702194.